The following is an entry in ClinVar:

ClinVar aggregate classification (germline): Likely benign. Review status: criteria provided, multiple submitters, no conflicts (2 of 4 stars). 3 submissions from 3 submitters: Likely benign (3). Last evaluated 2026-05-01.

Conditions:
Pyruvate dehydrogenase E2 deficiency (PDHDD). Also called: Dihydrolipoamide Acetyltransferase (E2) Deficiency; LACTIC ACIDEMIA DUE TO DEFECT OF E2 LIPOYL TRANSACETYLASE OF THE PYRUVATE DEHYDROGENASE COMPLEX. Identifiers: Orphanet 765, Orphanet 79244, MedGen C1855565, MONDO:0009502, OMIM 245348.

Allele frequency attached by ClinVar (database versions not stated): gnomAD exomes 0.00001 and 0.00003; ExAC 0.00004; gnomAD 0.00012 and 0.00014; TOPMed 0.00015; ESP Exome Variant Server 0.00023.
gnomAD v4.1: 35 of 1,614,032 alleles (0.0022%); highest among the groups gnomAD compares: African/African-American, 0.036%; no homozygotes.

Submissions (3):

CeGaT Center for Human Genetics Tuebingen
Classification: Likely benign. Last evaluated: 2026-05-01. Review status: criteria provided, single submitter. Criteria: CeGaT Center For Human Genetics Tuebingen Variant Classification Criteria Version 2. Collection method: clinical testing. Allele origin: germline. Affected: yes. Observed: 1 variant allele.
Comment: DLAT: BP4, BP7

Labcorp Genetics (formerly Invitae), Labcorp
Classification: Likely benign for Pyruvate dehydrogenase E2 deficiency. Last evaluated: 2025-12-01. Review status: criteria provided, single submitter. Criteria: Invitae Variant Classification Sherloc (09022015). Collection method: clinical testing. Allele origin: germline.

Blueprint Genetics
Classification: Likely benign. Last evaluated: 2024-06-20. Review status: criteria provided, single submitter. Criteria: ACMG Guidelines, 2015. Collection method: clinical testing. Allele origin: germline.

NM_001931.5(DLAT):c.927C>T (p.Thr309=)

Gene: DLAT (dihydrolipoamide S-acetyltransferase; plus strand). Cytogenetic location: 11q23.1.
Variant type: single nucleotide variant.
Coding change: c.927C>T on transcript NM_001931.5 (MANE Select); coding-DNA position 927, C replaced by T.
Protein change: p.Thr309=; no amino-acid change (threonine 309 retained).
Molecular consequence: synonymous variant. On other transcripts: intron variant (2).
Genome position (GRCh38, 1-based): chr11:112,037,412, C>T. VCF-style: chr11-112037412-C-T. GRCh37 (hg19) VCF-style: chr11-111908136-C-T.
Other names: c.927C>T, p.Thr309= (NM_001372031.1, NM_001372032.1, NM_001372033.1 and 1 more transcripts); c.894C>T, p.Thr298= (NM_001372034.1); c.801C>T, p.Thr267= (NM_001372036.1); c.759C>T, p.Thr253= (NM_001372037.1); c.648C>T, p.Thr216= (NM_001372038.1); c.546C>T, p.Thr182= (NM_001372040.1); c.465C>T, p.Thr155= (NM_001372042.1); c.661-1832C>T (NM_001372039.1, NM_001372041.1).
Identifiers: ClinVar variation 712118 (VCV000712118.7), dbSNP rs149969198, ClinGen allele CA6276772.
Genomic context (GRCh38, chr11:112,037,412, plus strand): 5'-ACTCTGTATCATTGTAGAAAAAGAGGCAGATATATCAGCATTTGCTGACTATAGGCCAAC[C>T]GAAGTAACAGATTTAAAACCACAAGTGCCACCACCTACCCCACCCCCGGTAGGTATGCTT-3'
Protein context (NP_001922.2, residues 299-319): DISAFADYRP[Thr309=]EVTDLKPQVP